The following is an entry in ClinVar:

NM_004260.4(RECQL4):c.132A>G (p.Glu44=)

Genes: RECQL4 (RecQ like helicase 4; minus strand), LOC130001411 (ATAC-STARR-seq lymphoblastoid silent region 19699; plus strand). Cytogenetic location: 8q24.3.
Variant type: single nucleotide variant.
Coding change: c.132A>G on transcript NM_004260.4 (MANE Select); coding-DNA position 132, A replaced by G.
Protein change: p.Glu44=; no amino-acid change (glutamic acid 44 retained).
Molecular consequence: synonymous variant.
Genome position (GRCh38, 1-based): chr8:144,517,495, T>C on the plus strand (A>G on the coding strand, the complement: RECQL4 is on the minus strand). VCF-style: chr8-144517495-T-C. GRCh37 (hg19) VCF-style: chr8-145742879-T-C.
Other names: p.Glu44=.
Identifiers: ClinVar variation 94885 (VCV000094885.28), dbSNP rs2306386, ClinGen allele CA147881.

ClinVar aggregate classification (germline): Benign. Review status: criteria provided, multiple submitters, no conflicts (2 of 4 stars). 14 submissions from 12 submitters: Benign (12). 2 of the submissions do not count toward it. Last evaluated 2026-02-04.

Conditions:
Rothmund-Thomson syndrome type 2 (RTS2). Identifiers: Orphanet 221016, MedGen C5203410, MONDO:0016369, OMIM 268400.
Baller-Gerold syndrome (BGS). Also called: CRANIOSYNOSTOSIS WITH RADIAL DEFECTS. Identifiers: Orphanet 1225, MedGen C0265308, MONDO:0009039, OMIM 218600.
Rapadilino syndrome. Identifiers: Orphanet 3021, MedGen C1849453, MONDO:0009955, OMIM 266280.

Allele frequency attached by ClinVar (database versions not stated): gnomAD 0.54991 and 0.54741; ESP Exome Variant Server 0.55069; ExAC 0.55522; TOPMed 0.55679; 1000 Genomes Project 0.57508; gnomAD exomes 0.51102 and 0.53662; 1000 Genomes Project 30x 0.58588.
gnomAD v4.1: 819,183 of 1,591,644 alleles (51%); highest among the groups gnomAD compares: Admixed American, 63%; 213,084 homozygotes.

Submissions (14):

Labcorp Genetics (formerly Invitae), Labcorp
Classification: Benign for Baller-Gerold syndrome. Last evaluated: 2026-02-04. Review status: criteria provided, single submitter. Criteria: Invitae Variant Classification Sherloc (09022015). Collection method: clinical testing. Allele origin: germline.

Blueprint Genetics
Classification: Benign. Last evaluated: 2024-11-27. Review status: criteria provided, single submitter. Criteria: ACMG Guidelines, 2015. Collection method: clinical testing. Allele origin: germline.

KCCC/NGS Laboratory, Kuwait Cancer Control Center
Classification: Benign for Rothmund-Thomson syndrome type 2. Last evaluated: 2023-07-07. Review status: criteria provided, single submitter. Criteria: ACMG Guidelines, 2015. Collection method: clinical testing. Allele origin: germline. Affected: yes.

Mayo Clinic Laboratories, Mayo Clinic
Classification: Benign. Last evaluated: 2022-09-06. Review status: criteria provided, single submitter. Criteria: ACMG Guidelines, 2015. Collection method: clinical testing. Allele origin: germline. Observed: 248 variant alleles.

Genome-Nilou Lab
Classification: Benign for Baller-Gerold syndrome. Last evaluated: 2021-11-07. Review status: criteria provided, single submitter. Criteria: ACMG Guidelines, 2015. Collection method: clinical testing. Allele origin: germline. Affected: no.

Genome-Nilou Lab
Classification: Benign for Rapadilino syndrome. Last evaluated: 2021-11-07. Review status: criteria provided, single submitter. Criteria: ACMG Guidelines, 2015. Collection method: clinical testing. Allele origin: germline. Affected: no.

Genome-Nilou Lab
Classification: Benign for Rothmund-Thomson syndrome type 2. Last evaluated: 2021-11-07. Review status: criteria provided, single submitter. Criteria: ACMG Guidelines, 2015. Collection method: clinical testing. Allele origin: germline. Affected: no.

GeneDx
Classification: Benign. Last evaluated: 2018-04-10. Review status: criteria provided, single submitter. Criteria: GeneDx Variant Classification (06012015). Collection method: clinical testing. Allele origin: germline. Affected: yes.
Comment: This variant is considered likely benign or benign based on one or more of the following criteria: it is a conservative change, it occurs at a poorly conserved position in the protein, it is predicted to be benign by multiple in silico algorithms, and/or has population frequency not consistent with disease.

Laboratory for Molecular Medicine, Mass General Brigham Personalized Medicine
Classification: Benign. Last evaluated: 2016-03-29. Review status: criteria provided, single submitter. Criteria: LMM Criteria. Collection method: clinical testing. Allele origin: germline.
Comment: Variant identified in a genome or exome case(s) and assessed due to predicted null impact of the variant or pathogenic assertions in the literature or databases. Disclaimer: This variant has not undergone full assessment. The following are preliminary notes: Frequency

Eurofins Ntd Llc (ga)
Classification: Benign. Last evaluated: 2016-03-16. Review status: criteria provided, single submitter. Criteria: EGL Classification Definitions 2015. Collection method: clinical testing. Allele origin: germline. Observed: 105 variant alleles, 64 heterozygotes, 41 homozygotes.

Breakthrough Genomics
Classification: Benign. Review status: criteria provided, single submitter. Criteria: ACMG Guidelines, 2015. Collection method: not provided. Allele origin: germline. Inheritance: Autosomal recessive inheritance. Affected: yes.

PreventionGenetics, part of Exact Sciences
Classification: Benign. Review status: criteria provided, single submitter. Criteria: ACMG Guidelines, 2015. Collection method: clinical testing. Allele origin: germline.

Diagnostic Laboratory, Department of Genetics, University Medical Center Groningen
Classification: Benign. Review status: no assertion criteria provided. Collection method: clinical testing. Allele origin: germline. Affected: yes. Study: VKGL Data-share Consensus. Not counted in ClinVar's aggregate classification.

Joint Genome Diagnostic Labs from Nijmegen and Maastricht, Radboudumc and MUMC+
Classification: Benign. Review status: no assertion criteria provided. Collection method: clinical testing. Allele origin: germline. Affected: yes. Study: VKGL Data-share Consensus. Not counted in ClinVar's aggregate classification.